The following is an entry in ClinVar:

NM_000501.4(ELN):c.59del (p.Ile20fs)

Gene: ELN (elastin; plus strand). Cytogenetic location: 7q11.23.
Variant type: Deletion.
Coding change: c.59del on transcript NM_000501.4 (MANE Select); coding-DNA position 59, one base deleted (T; older notation c.59delT).
Protein change: p.Ile20fs; shifts the reading frame from isoleucine 20.
Molecular consequence: frameshift variant.
Genome position (GRCh38, 1-based): chr7:74,028,246, T deleted. VCF-style (leftmost placement, unchanged base first): chr7-74028245-AT-A. GRCh37 (hg19) VCF-style: chr7-73442575-AT-A.
Other names: c.59del, p.Ile20fs (NM_001081752.3, NM_001081753.3, NM_001081754.3 and 9 more transcripts); short protein forms I20fs.
Identifiers: ClinVar variation 2574682 (VCV002574682.2), dbSNP rs2484444517, ClinGen allele CA2580615900.

ClinVar aggregate classification (germline): Pathogenic (1 of 4 stars; one submission).

Conditions:
Supravalvar aortic stenosis (SVAS). Also called: Supravalvar aortic stenosis, Eisenberg type. Identifiers: Orphanet 3193, MedGen C0003499, MONDO:0008504, OMIM 185500, HP:0004381.

Submission:

Center for Human Genetics and Genomic Medicine, Uniklinik Rwth Aachen
Classification: Pathogenic for Supravalvar aortic stenosis. Last evaluated: 2023-06-02. Review status: criteria provided, single submitter. Criteria: ACMG Guidelines, 2015. Collection method: clinical testing. Allele origin: unknown. Inheritance: Autosomal dominant inheritance. Affected: yes.
Comment: The variant has not yet been described in the general population (gnomAD), in the literature or in the ClinVar database. In the case of stop or nonsense variants in a gene matching the phenotype, in which "loss of function" changes represent a known pathomechanism, a pathogenetic relevance can be assumed with high probability. Based on the current state of knowledge, the variant has been classified as a "pathogenic variant" (ACMG criteria).